The following is an entry in ClinVar:

ClinVar aggregate classification (germline): Uncertain significance. Review status: criteria provided, multiple submitters, no conflicts (2 of 4 stars). 2 submissions from 2 submitters: Uncertain significance (2). Last evaluated 2024-05-09.

Conditions:
Hereditary cancer-predisposing syndrome. Also called: Tumor predisposition; Hereditary Cancer Syndrome; Hereditary neoplastic syndrome; Neoplastic Syndromes, Hereditary. Identifiers: Orphanet 140162, MedGen C0027672, MeSH D009386, MONDO:0015356.
Familial cancer of breast. Also called: hereditary breast carcinoma; Hereditary breast cancer; BREAST CANCER, FAMILIAL. Identifiers: Orphanet 227535, MedGen C0346153, MONDO:0016419, OMIM 114480. Disease mechanism: loss of function.

Submissions (2):

Labcorp Genetics (formerly Invitae), Labcorp
Classification: Uncertain significance for Familial cancer of breast. Last evaluated: 2024-05-09. Review status: criteria provided, single submitter. Criteria: Invitae Variant Classification Sherloc (09022015). Collection method: clinical testing. Allele origin: germline.
Comment: This sequence change replaces leucine, which is neutral and non-polar, with serine, which is neutral and polar, at codon 1132 of the PALB2 protein (p.Leu1132Ser). This variant is not present in population databases (gnomAD no frequency). This variant has not been reported in the literature in individuals affected with PALB2-related conditions. ClinVar contains an entry for this variant (Variation ID: 1478871). An algorithm developed to predict the effect of missense changes on protein structure and function (PolyPhen-2) suggests that this variant is likely to be disruptive. In summary, the available evidence is currently insufficient to determine the role of this variant in disease. Therefore, it has been classified as a Variant of Uncertain Significance.

Ambry Genetics
Classification: Uncertain significance for Hereditary cancer-predisposing syndrome. Last evaluated: 2023-02-27. Review status: criteria provided, single submitter. Criteria: Ambry Variant Classification Scheme 2023. Collection method: clinical testing. Allele origin: germline.
Comment: The p.L1132S variant (also known as c.3395T>C), located in coding exon 13 of the PALB2 gene, results from a T to C substitution at nucleotide position 3395. The leucine at codon 1132 is replaced by serine, an amino acid with dissimilar properties. This amino acid position is conserved. In addition, the in silico prediction for this alteration is inconclusive. Since supporting evidence is limited at this time, the clinical significance of this alteration remains unclear.

NM_024675.4(PALB2):c.3395T>C (p.Leu1132Ser)

Gene: PALB2 (partner and localizer of BRCA2; minus strand). Cytogenetic location: 16p12.2.
Variant type: single nucleotide variant.
Coding change: c.3395T>C on transcript NM_024675.4 (MANE Select); coding-DNA position 3395, T replaced by C.
Protein change: p.Leu1132Ser; replaces leucine 1132 with serine.
Molecular consequence: missense variant.
Genome position (GRCh38, 1-based): chr16:23,603,625, A>G on the plus strand (T>C on the coding strand, the complement: PALB2 is on the minus strand). VCF-style: chr16-23603625-A-G. GRCh37 (hg19) VCF-style: chr16-23614946-A-G.
Other names: c.3395T>C (NM_024675.3); short protein forms L1132S.
Identifiers: ClinVar variation 1478871 (VCV001478871.10), dbSNP rs1597062296, ClinGen allele CA395138259.